The following is an entry in ClinVar:

ClinVar aggregate classification (germline): Likely benign. Review status: criteria provided, multiple submitters, no conflicts (2 of 4 stars). 2 submissions from 2 submitters: Likely benign (2). Last evaluated 2025-11-10.

Conditions:
Lynch syndrome 5 (LYNCH5). Also called: Hereditary non-polyposis colorectal cancer, type 5; Colorectal cancer, hereditary nonpolyposis, type 5. Identifiers: Orphanet 144, MedGen C1833477, MONDO:0013710, OMIM 614350. Disease mechanism: loss of function.
Hereditary nonpolyposis colorectal neoplasms. Identifiers: MedGen C0009405, MeSH D003123.

Submissions (2):

Labcorp Genetics (formerly Invitae), Labcorp
Classification: Likely benign for Hereditary nonpolyposis colorectal neoplasms. Last evaluated: 2025-11-10. Review status: criteria provided, single submitter. Criteria: Invitae Variant Classification Sherloc (09022015). Collection method: clinical testing. Allele origin: germline.

Myriad Genetics, Inc.
Classification: Likely benign for Lynch syndrome 5. Last evaluated: 2023-04-03. Review status: criteria provided, single submitter. Criteria: Myriad Autosomal Dominant, Autosomal Recessive and X-Linked Classification Criteria (2023). Collection method: clinical testing. Allele origin: unknown.
Comment: This variant is considered likely benign. This variant is intronic and is not expected to impact mRNA splicing. Homozygosity for this variant has been confirmed in one or more individuals lacking clinical features consistent with gene-specific recessive disease, indicating that this variant is unlikely to be pathogenic.

NM_000179.3(MSH6):c.3647-13T>G

Gene: MSH6 (mutS homolog 6; plus strand). Cytogenetic location: 2p16.3.
Variant type: single nucleotide variant.
Coding change: c.3647-13T>G on transcript NM_000179.3 (MANE Select); 13 bases into the intron before coding-DNA position 3647, T replaced by G.
Molecular consequence: intron variant.
Genome position (GRCh38, 1-based): chr2:47,806,191, T>G. VCF-style: chr2-47806191-T-G. GRCh37 (hg19) VCF-style: chr2-48033330-T-G.
Other names: c.2741-13T>G (NM_001281493.2, NM_001281494.2); c.3257-13T>G (NM_001281492.2).
Identifiers: ClinVar variation 1654241 (VCV001654241.9), dbSNP rs2104535905, ClinGen allele CA2573134756.
Genomic context (GRCh38, chr2:47,806,191, plus strand): 5'-GCATTTTTGTTTTAATTCCTTTTTTGTTTTAATTCCTTTGAGTTACTTCCTTATGCATAT[T>G]TTACTTTAACAGGAAGAGGTACTGCAACATTTGATGGGACGGCAATAGCAAATGCAGTTG-3'